The following is an entry in ClinVar:

ClinVar aggregate classification (germline): Uncertain significance. Review status: criteria provided, multiple submitters, no conflicts (2 of 4 stars). 2 submissions from 2 submitters: Uncertain significance (2). Last evaluated 2025-10-02.

Conditions:
Inborn genetic diseases. Identifiers: MedGen C0950123, MeSH D030342.

Allele frequency attached by ClinVar (database versions not stated): ExAC 0.00001; gnomAD exomes 0.00002; TOPMed 0.00004; gnomAD 0.00005; ESP Exome Variant Server 0.00008.
gnomAD v4.1: 34 of 1,613,984 alleles (0.0021%); highest among the groups gnomAD compares: African/African-American, 0.0027%; no homozygotes.

Submissions (2):

Ambry Genetics
Classification: Uncertain significance for Inborn genetic diseases. Last evaluated: 2025-10-02. Review status: criteria provided, single submitter. Criteria: Ambry Variant Classification Scheme 2023. Collection method: clinical testing. Allele origin: germline.

Labcorp Genetics (formerly Invitae), Labcorp
Classification: Uncertain significance. Last evaluated: 2025-09-14. Review status: criteria provided, single submitter. Criteria: Invitae Variant Classification Sherloc (09022015). Collection method: clinical testing. Allele origin: germline.
Comment: This sequence change replaces lysine, which is basic and polar, with methionine, which is neutral and non-polar, at codon 215 of the TBX6 protein (p.Lys215Met). This variant is present in population databases (rs375575717, gnomAD 0.003%). This variant has not been reported in the literature in individuals affected with TBX6-related conditions. ClinVar contains an entry for this variant (Variation ID: 1970544). Invitae Evidence Modeling of protein sequence and biophysical properties (such as structural, functional, and spatial information, amino acid conservation, physicochemical variation, residue mobility, and thermodynamic stability) indicates that this missense variant is not expected to disrupt TBX6 protein function with a negative predictive value of 80%. In summary, the available evidence is currently insufficient to determine the role of this variant in disease. Therefore, it has been classified as a Variant of Uncertain Significance.

NM_004608.4(TBX6):c.644A>T (p.Lys215Met)

Gene: TBX6 (T-box transcription factor 6; minus strand). Cytogenetic location: 16p11.2.
Variant type: single nucleotide variant.
Coding change: c.644A>T on transcript NM_004608.4 (MANE Select); coding-DNA position 644, A replaced by T.
Protein change: p.Lys215Met; replaces lysine 215 with methionine.
Molecular consequence: missense variant.
Genome position (GRCh38, 1-based): chr16:30,088,817, T>A on the plus strand (A>T on the coding strand, the complement: TBX6 is on the minus strand). VCF-style: chr16-30088817-T-A. GRCh37 (hg19) VCF-style: chr16-30100138-T-A.
Other names: c.644A>T (NM_004608.3); short protein forms K215M.
Identifiers: ClinVar variation 1970544 (VCV001970544.8), dbSNP rs375575717, ClinGen allele CA8001849.
Genomic context (GRCh38, chr16:30,088,817, plus strand): 5'-CCCCCCCAGTGCTGGCTGCAGAGCTGGGCTGCCCGAACTAGGTGTATGCGGGGTTGGTAC[T>A]TGTGCATGGAGTGCAGGATCAGCTGGGAGGGAGGAAATGGGAGTGATTCCCTGCCCTGCG-3'
Protein context (NP_004599.2, residues 205-225): HGHLILHSMH[Lys215Met]YQPRIHLVRA